The following is an entry in ClinVar:

NM_001103.4(ACTN2):c.1775G>T (p.Arg592Ile)

Gene: ACTN2 (actinin alpha 2; plus strand). Cytogenetic location: 1q43.
Variant type: single nucleotide variant.
Coding change: c.1775G>T on transcript NM_001103.4 (MANE Select); coding-DNA position 1775, G replaced by T.
Protein change: p.Arg592Ile; replaces arginine 592 with isoleucine.
Molecular consequence: missense variant.
Genome position (GRCh38, 1-based): chr1:236,751,588, G>T. VCF-style: chr1-236751588-G-T. GRCh37 (hg19) VCF-style: chr1-236914888-G-T.
Other names: c.1775G>T (NM_001103.2); c.1775G>T, p.Arg592Ile (NM_001278343.2); c.1151G>T, p.Arg384Ile (NM_001278344.2); short protein forms R592I, R384I.
Identifiers: ClinVar variation 520511 (VCV000520511.9), dbSNP rs774780856, ClinGen allele CA1473250.

ClinVar aggregate classification (germline): Uncertain significance. Review status: criteria provided, multiple submitters, no conflicts (2 of 4 stars). 3 submissions from 3 submitters: Uncertain significance (3). Last evaluated 2023-06-12.

Conditions:
Primary familial hypertrophic cardiomyopathy (HCM). Identifiers: Orphanet 99739, MedGen C0949658, MeSH D024741, MONDO:0024573. Inheritance: Various modes of inheritance.
Cardiovascular phenotype. Identifiers: MedGen CN230736.
Dilated cardiomyopathy 1AA (CMD1AA). Also called: Cardiomyopathy, dilated, 1AA, with or without LVNC; CARDIOMYOPATHY, DILATED, 1AA, WITH OR WITHOUT LEFT VENTRICULAR NONCOMPACTION; CARDIOMYOPATHY, FAMILIAL HYPERTROPHIC, 23, WITH OR WITHOUT LEFT VENTRICULAR NONCOMPACTION. Identifiers: Orphanet 154, MedGen C2677338, MONDO:0012808, OMIM 612158.

Allele frequency attached by ClinVar (database versions not stated): gnomAD exomes below 0.00001 and 0.00001; TOPMed below 0.00001; ExAC 0.00001.
gnomAD v4.1: 16 of 1,614,040 alleles (0.00099%); highest among the groups gnomAD compares: African/African-American, 0.0013%; no homozygotes.

Submissions (3):

Ambry Genetics
Classification: Uncertain significance for Cardiovascular phenotype. Last evaluated: 2023-06-12. Review status: criteria provided, single submitter. Criteria: Ambry Variant Classification Scheme 2023. Collection method: clinical testing. Allele origin: germline.
Comment: The p.R592I variant (also known as c.1775G>T), located in coding exon 15 of the ACTN2 gene, results from a G to T substitution at nucleotide position 1775. The arginine at codon 592 is replaced by isoleucine, an amino acid with similar properties. This amino acid position is not well conserved in available vertebrate species. In addition, this alteration is predicted to be tolerated by in silico analysis. Since supporting evidence is limited at this time, the clinical significance of this alteration remains unclear.

Labcorp Genetics (formerly Invitae), Labcorp
Classification: Uncertain significance for Primary familial hypertrophic cardiomyopathy; Dilated cardiomyopathy 1AA. Last evaluated: 2021-09-01. Review status: criteria provided, single submitter. Criteria: Invitae Variant Classification Sherloc (09022015). Collection method: clinical testing. Allele origin: germline.
Comment: This sequence change replaces arginine with isoleucine at codon 592 of the ACTN2 protein (p.Arg592Ile). The arginine residue is highly conserved and there is a moderate physicochemical difference between arginine and isoleucine. This variant is present in population databases (rs774780856, ExAC 0.001%). This variant has not been reported in the literature in individuals affected with ACTN2-related conditions. ClinVar contains an entry for this variant (Variation ID: 520511). Algorithms developed to predict the effect of missense changes on protein structure and function are either unavailable or do not agree on the potential impact of this missense change (SIFT: "Deleterious"; PolyPhen-2: "Benign"; Align-GVGD: "Class C35"). In summary, the available evidence is currently insufficient to determine the role of this variant in disease. Therefore, it has been classified as a Variant of Uncertain Significance.

Molecular Diagnostic Laboratory for Inherited Cardiovascular Disease, Montreal Heart Institute
Classification: Uncertain significance for Primary familial hypertrophic cardiomyopathy. Last evaluated: 2017-06-12. Review status: criteria provided, single submitter. Criteria: ACMG Guidelines, 2015. Collection method: clinical testing. Allele origin: germline. Affected: yes.